The following is an entry in ClinVar:

ClinVar aggregate classification (germline): Likely benign. Review status: criteria provided, multiple submitters, no conflicts (2 of 4 stars). 3 submissions from 3 submitters: Likely benign (2). 1 of the submissions does not count toward it. Last evaluated 2017-09-19.

Conditions:
SEMA3C-related disorder. Also called: SEMA3C-related condition.

Allele frequency attached by ClinVar (database versions not stated): gnomAD exomes 0.00006 and 0.00016; ExAC 0.00024; gnomAD 0.00067 and 0.00074; TOPMed 0.00067; 1000 Genomes Project 30x 0.00078; 1000 Genomes Project 0.00080; ESP Exome Variant Server 0.00092.
gnomAD v4.1: 212 of 1,608,398 alleles (0.013%); highest among the groups gnomAD compares: African/African-American, 0.23%; no homozygotes.

Submissions (3):

Labcorp Genetics (formerly Invitae), Labcorp
Classification: Likely benign. Last evaluated: 2017-09-19. Review status: criteria provided, single submitter. Criteria: Invitae Variant Classification Sherloc (09022015). Collection method: clinical testing. Allele origin: germline.

Breakthrough Genomics
Classification: Likely benign. Review status: criteria provided, single submitter. Criteria: ACMG Guidelines, 2015. Collection method: not provided. Allele origin: germline. Inheritance: Unknown mechanism. Affected: yes.

PreventionGenetics, part of Exact Sciences
Classification: Likely benign for SEMA3C-related condition. Last evaluated: 2021-06-18. Review status: no assertion criteria provided. Collection method: clinical testing. Allele origin: germline. Not counted in ClinVar's aggregate classification.
Comment: This variant is classified as likely benign based on ACMG/AMP sequence variant interpretation guidelines (Richards et al. 2015 PMID: 25741868, with internal and published modifications).

NM_006379.5(SEMA3C):c.1074G>T (p.Gly358=)

Gene: SEMA3C (semaphorin 3C; minus strand). Cytogenetic location: 7q21.11.
Variant type: single nucleotide variant.
Coding change: c.1074G>T on transcript NM_006379.5 (MANE Select); coding-DNA position 1074, G replaced by T.
Protein change: p.Gly358=; no amino-acid change (glycine 358 retained).
Molecular consequence: synonymous variant.
Genome position (GRCh38, 1-based): chr7:80,798,149, C>A on the plus strand (G>T on the coding strand, the complement: SEMA3C is on the minus strand). VCF-style: chr7-80798149-C-A. GRCh37 (hg19) VCF-style: chr7-80427465-C-A.
Other names: c.1128G>T, p.Gly376= (NM_001350120.2); c.900G>T, p.Gly300= (NM_001350121.2); c.1128G>T (NM_001350120.1).
Identifiers: ClinVar variation 708482 (VCV000708482.6), dbSNP rs140907811, ClinGen allele CA4316226.
Genomic context (GRCh38, chr7:80,798,149, plus strand): 5'-TACAGTTCCAGGGCGAGGATATGGAATTCTGCCCTGATAGGAAATCAGCTGATGATTGGG[C>A]CCTTCTTTGTGGGCAAAAGGCCCATTAAACACAGTCTGTATATCAGATAAATGATACACA-3'
Protein context (NP_006370.1, residues 348-368): VFNGPFAHKE[Gly358=]PNHQLISYQG